The following is an entry in ClinVar:

NM_181303.2(NLGN3):c.160G>A (p.Ala54Thr)

Gene: NLGN3 (neuroligin 3; plus strand). Cytogenetic location: Xq13.1.
Variant type: single nucleotide variant.
Coding change: c.160G>A on transcript NM_181303.2 (MANE Select); coding-DNA position 160, G replaced by A.
Protein change: p.Ala54Thr; replaces alanine 54 with threonine.
Molecular consequence: missense variant. On other transcripts: intron variant (1).
Genome position (GRCh38, 1-based): chrX:71,147,909, G>A. VCF-style: chrX-71147909-G-A. GRCh37 (hg19) VCF-style: chrX-70367759-G-A.
Other names: c.160G>A, p.Ala54Thr (NM_001166660.2, NM_018977.4); c.-38-154G>A (NM_001321276.2); short protein forms A54T.
Identifiers: ClinVar variation 2428992 (VCV002428992.3), dbSNP rs1357228339, ClinGen allele CA413547239.

ClinVar aggregate classification (germline): Uncertain significance (1 of 4 stars; one submission).

Allele frequency attached by ClinVar (database versions not stated): TOPMed below 0.00001.

Submission:

GeneDx
Classification: Uncertain significance. Last evaluated: 2022-08-05. Review status: criteria provided, single submitter. Criteria: GeneDx Variant Classification Process June 2021. Collection method: clinical testing. Allele origin: germline. Affected: yes.
Comment: Not observed at significant frequency in large population cohorts (gnomAD); In silico analysis supports that this missense variant does not alter protein structure/function; Has not been previously published as pathogenic or benign to our knowledge